The following is an entry in ClinVar:

NM_205836.3(FBXO38):c.172C>T (p.Arg58Trp)

Gene: FBXO38 (F-box protein 38; plus strand). Cytogenetic location: 5q32.
Variant type: single nucleotide variant.
Coding change: c.172C>T on transcript NM_205836.3 (MANE Select); coding-DNA position 172, C replaced by T.
Protein change: p.Arg58Trp; replaces arginine 58 with tryptophan.
Molecular consequence: missense variant.
Genome position (GRCh38, 1-based): chr5:148,399,042, C>T. VCF-style: chr5-148399042-C-T. GRCh37 (hg19) VCF-style: chr5-147778605-C-T.
Other names: c.172C>T, p.Arg58Trp (NM_001271723.2, NM_030793.5); short protein forms R58W.
Identifiers: ClinVar variation 2999220 (VCV002999220.3), dbSNP rs775165552, ClinGen allele CA3496983.

ClinVar aggregate classification (germline): Uncertain significance (1 of 4 stars; one submission).

Conditions:
Distal hereditary motor neuropathy type 2. Identifiers: Orphanet 139525, MedGen C3711384, MeSH C580044, MONDO:0015352.

Allele frequency attached by ClinVar (database versions not stated): TOPMed below 0.00001; gnomAD 0.00001; gnomAD exomes 0.00001; ExAC 0.00002.
gnomAD v4.1: 18 of 1,613,334 alleles (0.0011%); highest among the groups gnomAD compares: Non-Finnish European, 0.0014%; no homozygotes.

Submission:

Labcorp Genetics (formerly Invitae), Labcorp
Classification: Uncertain significance for Distal hereditary motor neuropathy type 2. Last evaluated: 2024-11-26. Review status: criteria provided, single submitter. Criteria: Invitae Variant Classification Sherloc (09022015). Collection method: clinical testing. Allele origin: germline.
Comment: This sequence change replaces arginine, which is basic and polar, with tryptophan, which is neutral and slightly polar, at codon 58 of the FBXO38 protein (p.Arg58Trp). This variant is present in population databases (rs775165552, gnomAD 0.0009%). This variant has not been reported in the literature in individuals affected with FBXO38-related conditions. ClinVar contains an entry for this variant (Variation ID: 2999220). Invitae Evidence Modeling of protein sequence and biophysical properties (such as structural, functional, and spatial information, amino acid conservation, physicochemical variation, residue mobility, and thermodynamic stability) indicates that this missense variant is not expected to disrupt FBXO38 protein function with a negative predictive value of 80%. In summary, the available evidence is currently insufficient to determine the role of this variant in disease. Therefore, it has been classified as a Variant of Uncertain Significance.